The following is an entry in ClinVar:

NM_001042545.2(LTBP4):c.2302G>A (p.Val768Met)

Gene: LTBP4 (latent transforming growth factor beta binding protein 4; plus strand). Cytogenetic location: 19q13.2.
Variant type: single nucleotide variant.
Coding change: c.2302G>A on transcript NM_001042545.2 (MANE Select); coding-DNA position 2302, G replaced by A.
Protein change: p.Val768Met; replaces valine 768 with methionine.
Molecular consequence: missense variant.
Genome position (GRCh38, 1-based): chr19:40,613,067, G>A. VCF-style: chr19-40613067-G-A. GRCh37 (hg19) VCF-style: chr19-41118973-G-A.
Other names: c.2503G>A, p.Val835Met (NM_001042544.1); c.2392G>A, p.Val798Met (NM_003573.2); short protein forms V768M, V798M, V835M.
Identifiers: ClinVar variation 3764404 (VCV003764404.1).
Genomic context (GRCh38, chr19:40,613,067, plus strand): 5'-GGATTGGTCGGGTGTGTCCCGAGACTGGACCCTTTCTGAACACCCCCACCCCCCACAGAT[G>A]TGGACGAATGCAGTTCGGGTGCCCCTCCCTGTGGTCCCCACGGCCACTGCACTAACACCG-3'
Protein context (NP_001036010.1, residues 758-778): HHLHRGRCTD[Val768Met]DECSSGAPPC

ClinVar aggregate classification (germline): Uncertain significance (1 of 4 stars; one submission).

gnomAD v4.1: 6 of 1,611,898 alleles (0.00037%); highest among the groups gnomAD compares: Non-Finnish European, 0.00051%; no homozygotes.

Submission:

GeneDx
Classification: Uncertain significance. Last evaluated: 2024-08-19. Review status: criteria provided, single submitter. Criteria: GeneDx Variant Classification Process June 2021. Collection method: clinical testing. Allele origin: germline. Affected: yes.
Comment: Not observed at significant frequency in large population cohorts (gnomAD); In silico analysis indicates that this missense variant does not alter protein structure/function; Has not been previously published as pathogenic or benign to our knowledge